The following is an entry in ClinVar:

NM_002049.4(GATA1):c.573T>C (p.Arg191=)

Gene: GATA1 (GATA binding protein 1; plus strand). Cytogenetic location: Xp11.23.
Variant type: single nucleotide variant.
Coding change: c.573T>C on transcript NM_002049.4 (MANE Select); coding-DNA position 573, T replaced by C.
Protein change: p.Arg191=; no amino-acid change (arginine 191 retained).
Molecular consequence: synonymous variant.
Genome position (GRCh38, 1-based): chrX:48,792,196, T>C. VCF-style: chrX-48792196-T-C. GRCh37 (hg19) VCF-style: chrX-48650603-T-C.
Identifiers: ClinVar variation 3057125 (VCV003057125.2), dbSNP rs782701142, ClinGen allele CA10404621.
Genomic context (GRCh38, chrX:48,792,196, plus strand): 5'-CTTCTTTTCTCCCACCGGGAGCCCCCTCAATTCAGCAGCCTATTCCTCTCCCAAGCTTCG[T>C]GGAACTCTCCCCCTGCCTCCCTGTGGTGAGAAATTCAAAAAAGGACAGGGAAGTTGAGGT-3'
Protein context (NP_002040.1, residues 181-201): NSAAYSSPKL[Arg191=]GTLPLPPCEA

ClinVar aggregate classification (germline): Likely benign (0 of 4 stars; one submission).

Conditions:
GATA1-related disorder. Also called: GATA1-related condition.

Allele frequency attached by ClinVar (database versions not stated): gnomAD exomes below 0.00001; ExAC 0.00002.
gnomAD v4.1: 5 of 1,211,143 alleles (0.00041%); highest among the groups gnomAD compares: South Asian, 0.0088%; no homozygotes.

Submission:

PreventionGenetics, part of Exact Sciences
Classification: Likely benign for GATA1-related condition. Last evaluated: 2022-02-02. Review status: no assertion criteria provided. Collection method: clinical testing. Allele origin: germline.
Comment: This variant is classified as likely benign based on ACMG/AMP sequence variant interpretation guidelines (Richards et al. 2015 PMID: 25741868, with internal and published modifications).